The following is an entry in ClinVar:

NM_004655.4(AXIN2):c.209C>G (p.Ser70Cys)

Gene: AXIN2 (axin 2; minus strand). Cytogenetic location: 17q24.1.
Variant type: single nucleotide variant.
Coding change: c.209C>G on transcript NM_004655.4 (MANE Select); coding-DNA position 209, C replaced by G.
Protein change: p.Ser70Cys; replaces serine 70 with cysteine.
Molecular consequence: missense variant.
Genome position (GRCh38, 1-based): chr17:65,558,412, G>C on the plus strand (C>G on the coding strand, the complement: AXIN2 is on the minus strand). VCF-style: chr17-65558412-G-C. GRCh37 (hg19) VCF-style: chr17-63554530-G-C.
Other names: c.209C>G, p.Ser70Cys (NM_001363813.1); short protein forms S70C.
Identifiers: ClinVar variation 1417208 (VCV001417208.9), dbSNP rs1555583645, ClinGen allele CA400681892.
Genomic context (GRCh38, chr17:65,558,412, plus strand): 5'-TCTTGATCGCCCAATAAGGAGTGTAAGGACTTGGTCCACCGGGTCAGAGGGGAATCCGGA[G>C]ATGCCCGCCCCTCCGGCTCCCCCAACCCATCTTCGTTCCGCCTGGTGTTGGAAGAGACAG-3'
Protein context (NP_004646.3, residues 60-80): DGLGEPEGRA[Ser70Cys]PDSPLTRWTK

ClinVar aggregate classification (germline): Uncertain significance. Review status: criteria provided, multiple submitters, no conflicts (2 of 4 stars). 2 submissions from 2 submitters: Uncertain significance (2). Last evaluated 2024-05-27.

Conditions:
Hereditary cancer-predisposing syndrome. Also called: Hereditary Cancer Syndrome; Tumor predisposition; Hereditary neoplastic syndrome; Neoplastic Syndromes, Hereditary. Identifiers: Orphanet 140162, MedGen C0027672, MeSH D009386, MONDO:0015356.
Oligodontia-cancer predisposition syndrome. Also called: TOOTH AGENESIS-COLORECTAL CANCER SYNDROME. Identifiers: Orphanet 300576, MedGen C1837750, MONDO:0012075, OMIM 608615. Disease mechanism: loss of function.

gnomAD v4.1: 1 of 1,603,000 alleles (0.000062%); highest among the groups gnomAD compares: Non-Finnish European, 0.000085%; no homozygotes.

Submissions (2):

Ambry Genetics
Classification: Uncertain significance for Hereditary cancer-predisposing syndrome. Last evaluated: 2024-05-27. Review status: criteria provided, single submitter. Criteria: Ambry Variant Classification Scheme 2023. Collection method: clinical testing. Allele origin: germline.
Comment: The p.S70C variant (also known as c.209C>G), located in coding exon 1 of the AXIN2 gene, results from a C to G substitution at nucleotide position 209. The serine at codon 70 is replaced by cysteine, an amino acid with dissimilar properties. This amino acid position is highly conserved in available vertebrate species. In addition, this alteration is predicted to be tolerated by in silico analysis. Based on the available evidence, the clinical significance of this variant remains unclear.

Labcorp Genetics (formerly Invitae), Labcorp
Classification: Uncertain significance for Oligodontia-cancer predisposition syndrome. Last evaluated: 2024-02-07. Review status: criteria provided, single submitter. Criteria: Invitae Variant Classification Sherloc (09022015). Collection method: clinical testing. Allele origin: germline.
Comment: This sequence change replaces serine, which is neutral and polar, with cysteine, which is neutral and slightly polar, at codon 70 of the AXIN2 protein (p.Ser70Cys). This variant is not present in population databases (gnomAD no frequency). This variant has not been reported in the literature in individuals affected with AXIN2-related conditions. ClinVar contains an entry for this variant (Variation ID: 1417208). Advanced modeling of protein sequence and biophysical properties (such as structural, functional, and spatial information, amino acid conservation, physicochemical variation, residue mobility, and thermodynamic stability) performed at Invitae indicates that this missense variant is not expected to disrupt AXIN2 protein function with a negative predictive value of 80%. In summary, the available evidence is currently insufficient to determine the role of this variant in disease. Therefore, it has been classified as a Variant of Uncertain Significance.